The following is an entry in ClinVar:

NM_005932.4(MIPEP):c.1848+2T>G

Gene: MIPEP (mitochondrial intermediate peptidase; minus strand). Cytogenetic location: 13q12.12.
Variant type: single nucleotide variant.
Coding change: c.1848+2T>G on transcript NM_005932.4 (MANE Select); the canonical splice donor site of the intron after coding-DNA position 1848, T replaced by G.
Molecular consequence: splice donor variant.
Genome position (GRCh38, 1-based): chr13:23,805,948, A>C on the plus strand (T>G on the coding strand, the complement: MIPEP is on the minus strand). VCF-style: chr13-23805948-A-C. GRCh37 (hg19) VCF-style: chr13-24380087-A-C.
Identifiers: ClinVar variation 2504023 (VCV002504023.4), dbSNP rs780915621, ClinGen allele CA6912850.
Genomic context (GRCh38, chr13:23,805,948, plus strand): 5'-AGCTACAGAAGTAATAGCAGAACCACTCAATACACAAAACAGAAGCCAAATGCTGGACTC[A>C]CAGTATTTGGAACATATGGTAGGCCATAGAATTTCTCTTGTGTTTCCTTGAGAATGTCTG-3'

ClinVar aggregate classification (germline): Likely pathogenic. Review status: criteria provided, multiple submitters, no conflicts (2 of 4 stars). 2 submissions from 2 submitters: Likely pathogenic (2). Last evaluated 2024-06-01.

Conditions:
Lethal left ventricular non-compaction-seizures-hypotonia-cataract-developmental delay syndrome. Also called: Combined oxidative phosphorylation deficiency 31. Identifiers: Orphanet 478049, MedGen C4310661, MONDO:0014976, OMIM 617228.

Allele frequency attached by ClinVar (database versions not stated): ExAC 0.00001; gnomAD exomes 0.00001; gnomAD 0.00003; TOPMed 0.00003.
gnomAD v4.1: 17 of 1,613,400 alleles (0.0011%); highest among the groups gnomAD compares: Non-Finnish European, 0.0013%; no homozygotes.

Submissions (2):

Labcorp Genetics (formerly Invitae), Labcorp
Classification: Likely pathogenic. Last evaluated: 2024-06-01. Review status: criteria provided, single submitter. Criteria: Invitae Variant Classification Sherloc (09022015). Collection method: clinical testing. Allele origin: germline.
Comment: This sequence change affects a donor splice site in intron 16 of the MIPEP gene. It is expected to disrupt RNA splicing. Variants that disrupt the donor or acceptor splice site typically lead to a loss of protein function (PMID: 16199547), and loss-of-function variants in MIPEP are known to be pathogenic (PMID: 27799064, 34620555). The frequency data for this variant in the population databases is considered unreliable, as metrics indicate poor data quality at this position in the gnomAD database. This variant has not been reported in the literature in individuals affected with MIPEP-related conditions. ClinVar contains an entry for this variant (Variation ID: 2504023). Algorithms developed to predict the effect of sequence changes on RNA splicing suggest that this variant may disrupt the consensus splice site. In summary, the currently available evidence indicates that the variant is pathogenic, but additional data are needed to prove that conclusively. Therefore, this variant has been classified as Likely Pathogenic.

Women's Health and Genetics/Laboratory Corporation of America, LabCorp
Classification: Likely pathogenic for Lethal left ventricular non-compaction-seizures-hypotonia-cataract-developmental delay syndrome. Last evaluated: 2023-04-04. Review status: criteria provided, single submitter. Criteria: LabCorp Variant Classification Summary - May 2015. Collection method: clinical testing. Allele origin: germline.
Comment: Variant summary: MIPEP c.1848+2T>G is located in a canonical splice-site and is predicted to affect mRNA splicing resulting in a significantly altered protein due to either exon skipping, shortening, or inclusion of intronic material. Several computational tools predict a significant impact on normal splicing: Four predict the variant abolishes a canonical 5' splicing donor site. However, these predictions have yet to be confirmed by functional studies. The variant allele was found at a frequency of 8e-06 in 251062 control chromosomes (gnomAD). To our knowledge, no occurrence of c.1848+2T>G in individuals affected with Lethal Left Ventricular Non-Compaction Delay Syndrome and no experimental evidence demonstrating its impact on protein function have been reported. No clinical diagnostic laboratories have submitted clinical-significance assessments for this variant to ClinVar after 2014. Based on the evidence outlined above, the variant was classified as likely pathogenic.

Literature cited by the submitters: PubMed 16199547 (cited by Labcorp Genetics (formerly Invitae), Labcorp); PubMed 27799064 (cited by Labcorp Genetics (formerly Invitae), Labcorp); PubMed 34620555 (cited by Labcorp Genetics (formerly Invitae), Labcorp).